The following is an entry in ClinVar:

ClinVar aggregate classification (germline): Uncertain significance (1 of 4 stars; one submission).

Allele frequency attached by ClinVar (database versions not stated): gnomAD exomes below 0.00001.
gnomAD v4.1: 1 of 1,613,270 alleles (0.000062%); highest among the groups gnomAD compares: Non-Finnish European, 0.000085%; no homozygotes.

Submission:

GeneDx
Classification: Uncertain significance. Last evaluated: 2023-08-03. Review status: criteria provided, single submitter. Criteria: GeneDx Variant Classification Process June 2021. Collection method: clinical testing. Allele origin: germline. Affected: yes.
Comment: Observed in a patient with an isolated intracerebral hemorrhage in the absence of other MRI abnormalities (Corlobe et al., 2013); Not observed at significant frequency in large population cohorts (gnomAD); In silico analysis supports that this missense variant has a deleterious effect on protein structure/function; This variant is associated with the following publications: (PMID: 23860004)

NM_001845.6(COL4A1):c.2063G>A (p.Gly688Asp)

Gene: COL4A1 (collagen type IV alpha 1 chain; minus strand). Cytogenetic location: 13q34.
Variant type: single nucleotide variant.
Coding change: c.2063G>A on transcript NM_001845.6 (MANE Select); coding-DNA position 2063, G replaced by A.
Protein change: p.Gly688Asp; replaces glycine 688 with aspartic acid.
Molecular consequence: missense variant.
Genome position (GRCh38, 1-based): chr13:110,183,025, C>T on the plus strand (G>A on the coding strand, the complement: COL4A1 is on the minus strand). VCF-style: chr13-110183025-C-T. GRCh37 (hg19) VCF-style: chr13-110835372-C-T.
Other names: short protein forms G688D.
Identifiers: ClinVar variation 3253543 (VCV003253543.1), dbSNP rs1026987399.